The following is an entry in ClinVar:

ClinVar aggregate classification (germline): Likely benign. Review status: criteria provided, multiple submitters, no conflicts (2 of 4 stars). 2 submissions from 2 submitters: Likely benign (2). Last evaluated 2025-04-11.

Conditions:
Propionic acidemia (PROP). Also called: GLYCINEMIA, KETOTIC; HYPERGLYCINEMIA WITH KETOACIDOSIS AND LEUKOPENIA; KETOTIC HYPERGLYCINEMIA. Identifiers: Orphanet 35, MedGen C0268579, MONDO:0011628, OMIM 606054, HP:0003571.

gnomAD v4.1: 2 of 1,381,876 alleles (0.00014%); highest among the groups gnomAD compares: Non-Finnish European, 0.00021%; no homozygotes.

Submissions (2):

Labcorp Genetics (formerly Invitae), Labcorp
Classification: Likely benign for Propionic acidemia. Last evaluated: 2025-04-11. Review status: criteria provided, single submitter. Criteria: Invitae Variant Classification Sherloc (09022015). Collection method: clinical testing. Allele origin: germline.

GeneDx
Classification: Likely benign. Last evaluated: 2016-12-15. Review status: criteria provided, single submitter. Criteria: GeneDx Variant Classification (06012015). Collection method: clinical testing. Allele origin: germline. Affected: yes.
Comment: This variant is considered likely benign or benign based on one or more of the following criteria: it is a conservative change, it occurs at a poorly conserved position in the protein, it is predicted to be benign by multiple in silico algorithms, and/or has population frequency not consistent with disease.

NM_000282.4(PCCA):c.1430-18A>T

Gene: PCCA (propionyl-CoA carboxylase subunit alpha; plus strand). Cytogenetic location: 13q32.3.
Variant type: single nucleotide variant.
Coding change: c.1430-18A>T on transcript NM_000282.4 (MANE Select); 18 bases into the intron before coding-DNA position 1430, A replaced by T.
Molecular consequence: intron variant.
Genome position (GRCh38, 1-based): chr13:100,330,543, A>T. VCF-style: chr13-100330543-A-T. GRCh37 (hg19) VCF-style: chr13-100982797-A-T.
Other names: c.1430-18A>T (NM_001178004.2, NM_001352605.2, NM_001352609.2); c.1286-18A>T (NM_001352606.2); c.485-18A>T (NM_001352610.2, NM_001352611.2); c.341-18A>T (NM_001352612.2); c.1352-18A>T (NM_001127692.3, NM_001352607.2); c.1208-18A>T (NM_001352608.2).
Identifiers: ClinVar variation 391242 (VCV000391242.4), dbSNP rs770776146, ClinGen allele CA16606741.